The following is an entry in ClinVar:

ClinVar aggregate classification (germline): Uncertain significance (1 of 4 stars; one submission).

Conditions:
Duchenne muscular dystrophy (DMD). Also called: MUSCULAR DYSTROPHY, PSEUDOHYPERTROPHIC PROGRESSIVE, DUCHENNE TYPE; Duchenne Muscular Dystrophy (DMD). Identifiers: Orphanet 98896, MedGen C0013264, MONDO:0010679, OMIM 310200.

Allele frequency attached by ClinVar (database versions not stated): gnomAD exomes below 0.00001; TOPMed below 0.00001.
gnomAD v4.1: 1 of 1,209,312 alleles (0.000083%); highest among the groups gnomAD compares: Non-Finnish European, 0.00011%; no homozygotes.

Submission:

Labcorp Genetics (formerly Invitae), Labcorp
Classification: Uncertain significance for Duchenne muscular dystrophy. Last evaluated: 2024-08-05. Review status: criteria provided, single submitter. Criteria: Invitae Variant Classification Sherloc (09022015). Collection method: clinical testing. Allele origin: germline.
Comment: This sequence change replaces tryptophan, which is neutral and slightly polar, with cysteine, which is neutral and slightly polar, at codon 1694 of the DMD protein (p.Trp1694Cys). This variant is not present in population databases (gnomAD no frequency). This variant has not been reported in the literature in individuals affected with DMD-related conditions. ClinVar contains an entry for this variant (Variation ID: 1912907). Advanced modeling of protein sequence and biophysical properties (such as structural, functional, and spatial information, amino acid conservation, physicochemical variation, residue mobility, and thermodynamic stability) performed at Invitae indicates that this missense variant is not expected to disrupt DMD protein function with a negative predictive value of 95%. In summary, the available evidence is currently insufficient to determine the role of this variant in disease. Therefore, it has been classified as a Variant of Uncertain Significance.

NM_004006.3(DMD):c.5082G>T (p.Trp1694Cys)

Gene: DMD (dystrophin; minus strand). Cytogenetic location: Xp21.1.
Variant type: single nucleotide variant.
Coding change: c.5082G>T on transcript NM_004006.3 (MANE Select); coding-DNA position 5082, G replaced by T.
Protein change: p.Trp1694Cys; replaces tryptophan 1694 with cysteine.
Molecular consequence: missense variant.
Genome position (GRCh38, 1-based): chrX:32,364,654, C>A on the plus strand (G>T on the coding strand, the complement: DMD is on the minus strand). VCF-style: chrX-32364654-C-A. GRCh37 (hg19) VCF-style: chrX-32382771-C-A.
Other names: c.5058G>T, p.Trp1686Cys (NM_000109.4); c.5070G>T, p.Trp1690Cys (NM_004009.3); c.4713G>T, p.Trp1571Cys (NM_004010.3); c.1059G>T, p.Trp353Cys (NM_004011.4); c.1050G>T, p.Trp350Cys (NM_004012.4); short protein forms W350C, W1690C, W353C, W1571C, W1686C, W1694C.
Identifiers: ClinVar variation 1912907 (VCV001912907.5), dbSNP rs1295394996, ClinGen allele CA412671569.